The following is an entry in ClinVar:

NM_144687.4(NLRP12):c.308C>T (p.Pro103Leu)

Gene: NLRP12 (NLR family pyrin domain containing 12; minus strand). Cytogenetic location: 19q13.42.
Variant type: single nucleotide variant.
Coding change: c.308C>T on transcript NM_144687.4 (MANE Select); coding-DNA position 308, C replaced by T.
Protein change: p.Pro103Leu; replaces proline 103 with leucine.
Molecular consequence: missense variant.
Genome position (GRCh38, 1-based): chr19:53,814,970, G>A on the plus strand (C>T on the coding strand, the complement: NLRP12 is on the minus strand). VCF-style: chr19-53814970-G-A. GRCh37 (hg19) VCF-style: chr19-54318224-G-A.
Other names: c.308C>T, p.Pro103Leu (NM_001277126.2, NM_001277129.1); c.308C>T (NM_144687.2); short protein forms P103L.
Identifiers: ClinVar variation 871357 (VCV000871357.45), dbSNP rs141436635, ClinGen allele CA9639767.

ClinVar aggregate classification (germline): Conflicting classifications of pathogenicity. Review status: criteria provided, conflicting classifications (1 of 4 stars). 3 submissions from 3 submitters: Uncertain significance (2); Likely benign (1). Last evaluated 2025-03-20.

Conditions:
Familial cold autoinflammatory syndrome 2 (FCAS2). Identifiers: Orphanet 247868, MedGen C2673198, MONDO:0012724, OMIM 611762.

Allele frequency attached by ClinVar (database versions not stated): TOPMed 0.00002; gnomAD 0.00003; gnomAD exomes 0.00005; ESP Exome Variant Server 0.00008; ExAC 0.00012; 1000 Genomes Project 0.00020; 1000 Genomes Project 30x 0.00031.
gnomAD v4.1: 59 of 1,613,846 alleles (0.0037%); highest among the groups gnomAD compares: South Asian, 0.018%; no homozygotes.

Submissions (3):

GeneDx
Classification: Uncertain significance. Last evaluated: 2025-03-20. Review status: criteria provided, single submitter. Criteria: GeneDx Variant Classification Process June 2021. Collection method: clinical testing. Allele origin: germline. Affected: yes.
Comment: In silico analysis indicates that this missense variant does not alter protein structure/function; Has not been previously published as pathogenic or benign to our knowledge

Labcorp Genetics (formerly Invitae), Labcorp
Classification: Uncertain significance for Familial cold autoinflammatory syndrome 2. Last evaluated: 2023-04-10. Review status: criteria provided, single submitter. Criteria: Invitae Variant Classification Sherloc (09022015). Collection method: clinical testing. Allele origin: germline.
Comment: In summary, the available evidence is currently insufficient to determine the role of this variant in disease. Therefore, it has been classified as a Variant of Uncertain Significance. Algorithms developed to predict the effect of missense changes on protein structure and function output the following: SIFT: "Not Available"; PolyPhen-2: "Benign"; Align-GVGD: "Not Available". The leucine amino acid residue is found in multiple mammalian species, which suggests that this missense change does not adversely affect protein function. ClinVar contains an entry for this variant (Variation ID: 871357). This variant has not been reported in the literature in individuals affected with NLRP12-related conditions. This variant is present in population databases (rs141436635, gnomAD 0.02%). This sequence change replaces proline, which is neutral and non-polar, with leucine, which is neutral and non-polar, at codon 103 of the NLRP12 protein (p.Pro103Leu).

CeGaT Center for Human Genetics Tuebingen
Classification: Likely benign. Last evaluated: 2019-09-01. Review status: criteria provided, single submitter. Criteria: CeGaT Center For Human Genetics Tuebingen Variant Classification Criteria Version 2. Collection method: clinical testing. Allele origin: germline. Affected: yes. Observed: 1 variant allele.